The following is an entry in ClinVar:

NM_001387777.1(TNS1):c.3262A>G (p.Ser1088Gly)

Gene: TNS1 (tensin 1; minus strand). Cytogenetic location: 2q35.
Variant type: single nucleotide variant.
Coding change: c.3262A>G on transcript NM_001387777.1 (MANE Select); coding-DNA position 3262, A replaced by G.
Protein change: p.Ser1088Gly; replaces serine 1088 with glycine.
Molecular consequence: missense variant.
Genome position (GRCh38, 1-based): chr2:217,835,109, T>C on the plus strand (A>G on the coding strand, the complement: TNS1 is on the minus strand). VCF-style: chr2-217835109-T-C. GRCh37 (hg19) VCF-style: chr2-218699832-T-C.
Other names: c.2887A>G, p.Ser963Gly (NM_001308022.2, NM_001308023.2, NM_022648.7); short protein forms S1088G, S963G.
Identifiers: ClinVar variation 3045486 (VCV003045486.2), dbSNP rs201800226, ClinGen allele CA2099996.

ClinVar aggregate classification (germline): Likely benign (0 of 4 stars; one submission).

Conditions:
TNS1-related disorder. Also called: TNS1-related condition.

Allele frequency attached by ClinVar (database versions not stated): 1000 Genomes Project 30x 0.00016; 1000 Genomes Project 0.00020; gnomAD 0.00028; TOPMed 0.00030; gnomAD exomes 0.00050; ExAC 0.00097.

Submission:

PreventionGenetics, part of Exact Sciences
Classification: Likely benign for TNS1-related condition. Last evaluated: 2022-01-31. Review status: no assertion criteria provided. Collection method: clinical testing. Allele origin: germline.
Comment: This variant is classified as likely benign based on ACMG/AMP sequence variant interpretation guidelines (Richards et al. 2015 PMID: 25741868, with internal and published modifications).